The following is an entry in ClinVar:

NM_015340.4(LARS2):c.487C>T (p.Arg163Cys)

Gene: LARS2 (leucyl-tRNA synthetase 2, mitochondrial; plus strand). Cytogenetic location: 3p21.31.
Variant type: single nucleotide variant.
Coding change: c.487C>T on transcript NM_015340.4 (MANE Select); coding-DNA position 487, C replaced by T.
Protein change: p.Arg163Cys; replaces arginine 163 with cysteine.
Molecular consequence: missense variant.
Genome position (GRCh38, 1-based): chr3:45,419,700, C>T. VCF-style: chr3-45419700-C-T. GRCh37 (hg19) VCF-style: chr3-45461192-C-T.
Other names: c.487C>T, p.Arg163Cys (NM_001368263.1); short protein forms R163C.
Identifiers: ClinVar variation 1351572 (VCV001351572.6), dbSNP rs755313380, ClinGen allele CA2349323.

ClinVar aggregate classification (germline): Uncertain significance (1 of 4 stars; one submission).

Allele frequency attached by ClinVar (database versions not stated): gnomAD 0.00001; gnomAD exomes 0.00001; TOPMed 0.00001; ExAC 0.00002.

Submission:

Labcorp Genetics (formerly Invitae), Labcorp
Classification: Uncertain significance. Last evaluated: 2023-11-27. Review status: criteria provided, single submitter. Criteria: Invitae Variant Classification Sherloc (09022015). Collection method: clinical testing. Allele origin: germline.
Comment: This sequence change replaces arginine, which is basic and polar, with cysteine, which is neutral and slightly polar, at codon 163 of the LARS2 protein (p.Arg163Cys). This variant is present in population databases (rs755313380, gnomAD 0.003%). This variant has not been reported in the literature in individuals affected with LARS2-related conditions. ClinVar contains an entry for this variant (Variation ID: 1351572). Advanced modeling of protein sequence and biophysical properties (such as structural, functional, and spatial information, amino acid conservation, physicochemical variation, residue mobility, and thermodynamic stability) performed at Invitae indicates that this missense variant is not expected to disrupt LARS2 protein function with a negative predictive value of 80%. Algorithms developed to predict the effect of sequence changes on RNA splicing suggest that this variant may disrupt the consensus splice site. In summary, the available evidence is currently insufficient to determine the role of this variant in disease. Therefore, it has been classified as a Variant of Uncertain Significance.